The following is an entry in ClinVar:

NM_003701.4(TNFSF11):c.268A>G (p.Ile90Val)

Genes: TNFSF11 (TNF superfamily member 11; plus strand), LOC126861752 (BRD4-independent group 4 enhancer GRCh37_chr13:43155073-43156272; plus strand). Cytogenetic location: 13q14.11.
Variant type: single nucleotide variant.
Coding change: c.268A>G on transcript NM_003701.4 (MANE Select); coding-DNA position 268, A replaced by G.
Protein change: p.Ile90Val; replaces isoleucine 90 with valine.
Molecular consequence: missense variant.
Genome position (GRCh38, 1-based): chr13:42,581,174, A>G. VCF-style: chr13-42581174-A-G. GRCh37 (hg19) VCF-style: chr13-43155310-A-G.
Other names: c.49A>G, p.Ile17Val (NM_033012.4); short protein forms I90V, I17V.
Identifiers: ClinVar variation 2115286 (VCV002115286.4), dbSNP rs2500712037, ClinGen allele CA388214412.

ClinVar aggregate classification (germline): Uncertain significance (1 of 4 stars; one submission).

Submission:

Labcorp Genetics (formerly Invitae), Labcorp
Classification: Uncertain significance. Last evaluated: 2022-04-25. Review status: criteria provided, single submitter. Criteria: Invitae Variant Classification Sherloc (09022015). Collection method: clinical testing. Allele origin: germline.
Comment: This sequence change replaces isoleucine, which is neutral and non-polar, with valine, which is neutral and non-polar, at codon 90 of the TNFSF11 protein (p.Ile90Val). This variant is not present in population databases (gnomAD no frequency). This variant has not been reported in the literature in individuals affected with TNFSF11-related conditions. Algorithms developed to predict the effect of missense changes on protein structure and function (SIFT, PolyPhen-2, Align-GVGD) all suggest that this variant is likely to be tolerated. In summary, the available evidence is currently insufficient to determine the role of this variant in disease. Therefore, it has been classified as a Variant of Uncertain Significance.